The following is an entry in ClinVar:

NM_194248.3(OTOF):c.5665T>C (p.Trp1889Arg)

Gene: OTOF (otoferlin; minus strand). Cytogenetic location: 2p23.3.
Variant type: single nucleotide variant.
Coding change: c.5665T>C on transcript NM_194248.3 (MANE Select); coding-DNA position 5665, T replaced by C.
Protein change: p.Trp1889Arg; replaces tryptophan 1889 with arginine.
Molecular consequence: missense variant.
Genome position (GRCh38, 1-based): chr2:26,460,899, A>G on the plus strand (T>C on the coding strand, the complement: OTOF is on the minus strand). VCF-style: chr2-26460899-A-G. GRCh37 (hg19) VCF-style: chr2-26683767-A-G.
Other names: c.5665T>C, p.Trp1889Arg (NM_001287489.2); c.3364T>C, p.Trp1122Arg (NM_004802.4, NM_194323.3); c.3595T>C, p.Trp1199Arg (NM_194322.3); short protein forms W1122R, W1199R, W1889R.
Identifiers: ClinVar variation 3375334 (VCV003375334.1).
Genomic context (GRCh38, chr2:26,460,899, plus strand): 5'-AAGGGGTGCGCACCGTGAGCTCAAACTCATCGTTCTCATTGCGGGCCAGGAGGGGCCACC[A>G]GCCTTTGACGCGCTTTTGCTTGAAGATGGACACGAGGGGCACGTCCACCTCCCCGGTGGC-3'
Protein context (NP_919224.1, residues 1879-1899): SIFKQKRVKG[Trp1889Arg]WPLLARNEND

ClinVar aggregate classification (germline): Uncertain significance (1 of 4 stars; one submission).

gnomAD v4.1: 4 of 1,614,138 alleles (0.00025%); highest among the groups gnomAD compares: Non-Finnish European, 0.00034%; no homozygotes.

Submission:

Women's Health and Genetics/Laboratory Corporation of America, LabCorp
Classification: Uncertain significance. Last evaluated: 2024-09-20. Review status: criteria provided, single submitter. Criteria: LabCorp Variant Classification Summary - May 2015. Collection method: clinical testing. Allele origin: germline.
Comment: Variant summary: OTOF c.5665T>C (p.Trp1889Arg) results in a non-conservative amino acid change in the encoded protein sequence. Five of five in-silico tools predict a damaging effect of the variant on protein function. The variant was absent in 251398 control chromosomes (gnomAD). The available data on variant occurrences in the general population are insufficient to allow any conclusion about variant significance. c.5665T>C has been reported in the literature in one compound heterozygous individual affected with hearing impairment (Husson_2020). The report does not provide unequivocal conclusions about association of the variant with Nonsyndromic Hearing Loss And Deafness, Type 9. To our knowledge, no experimental evidence demonstrating an impact on protein function has been reported. The following publication have been ascertained in the context of this evaluation (PMID: 32094338). No submitters have cited clinical-significance assessments for this variant to ClinVar. Based on the evidence outlined above, the variant was classified as uncertain significance.

Literature cited by the submitters: PubMed 32094338.